The following is an entry in ClinVar:

NM_016507.4(CDK12):c.1424C>G (p.Ser475Cys)

Gene: CDK12 (cyclin dependent kinase 12; plus strand). Cytogenetic location: 17q12.
Variant type: single nucleotide variant.
Coding change: c.1424C>G on transcript NM_016507.4 (MANE Select); coding-DNA position 1424, C replaced by G.
Protein change: p.Ser475Cys; replaces serine 475 with cysteine.
Molecular consequence: missense variant.
Genome position (GRCh38, 1-based): chr17:39,471,256, C>G. VCF-style: chr17-39471256-C-G. GRCh37 (hg19) VCF-style: chr17-37627509-C-G.
Other names: c.1424C>G, p.Ser475Cys (NM_015083.4); short protein forms S475C.
Identifiers: ClinVar variation 5034192 (VCV005034192.1).

ClinVar aggregate classification (germline): Uncertain significance (1 of 4 stars; one submission).

Submission:

Ambry Genetics
Classification: Uncertain significance. Last evaluated: 2026-09-07. Review status: criteria provided, single submitter. Criteria: Ambry Variant Classification Scheme 2023. Collection method: clinical testing. Allele origin: germline.
Comment: The p.S475C variant (also known as c.1424C>G), located in coding exon 2 of the CDK12 gene, results from a C to G substitution at nucleotide position 1424. The serine at codon 475 is replaced by cysteine, an amino acid with dissimilar properties. This amino acid position is conserved. In addition, this alteration is predicted to be tolerated by in silico analysis. Based on the available evidence, the clinical significance of this variant remains unclear.